The following is an entry in ClinVar:

ClinVar aggregate classification (germline): Uncertain significance (1 of 4 stars; one submission).

Submission:

GeneDx
Classification: Uncertain significance. Last evaluated: 2026-03-29. Review status: criteria provided, single submitter. Criteria: GeneDx Variant Classification Process June 2021. Collection method: clinical testing. Allele origin: germline.
Comment: In silico analysis supports a deleterious effect on splicing; No data available from control populations to assess the frequency of this variant; Located in a regulatory region; in the absence of functional studies, the actual effect of this sequence change is unknown; Has not been previously published as pathogenic or benign to our knowledge

NM_001958.5(EEF1A2):c.-80_-72+2dup

Gene: EEF1A2 (eukaryotic translation elongation factor 1 alpha 2; minus strand). Cytogenetic location: 20q13.33.
Variant type: Duplication.
Coding change: c.-80_-72+2dup on transcript NM_001958.5 (MANE Select); 80 bases upstream of the start codon through the canonical splice donor site of the intron after 72 bases upstream of the start codon, 11 bases duplicated (CGGCTCCGGGT).
Molecular consequence: splice donor variant.
Genome position (GRCh38, 1-based): chr20:63,499,056-63,499,066, ACCCGGAGCCG duplicated on the plus strand (CGGCTCCGGGT on the coding strand, the reverse complement: EEF1A2 is on the minus strand); duplicating any 11 consecutive bases within chr20:63,499,056-63,499,067 gives the same sequence; the c. name uses the placement nearest the transcript's 3' end. VCF-style (leftmost placement, unchanged base first): chr20-63499055-T-TACCCGGAGCCG. GRCh37 (hg19) VCF-style: chr20-62130408-T-TACCCGGAGCCG.
Identifiers: ClinVar variation 5017124 (VCV005017124.1).